The following is an entry in ClinVar:

NM_000257.4(MYH7):c.5455G>C (p.Val1819Leu)

Gene: MYH7 (myosin heavy chain 7; minus strand). Cytogenetic location: 14q11.2.
Variant type: single nucleotide variant.
Coding change: c.5455G>C on transcript NM_000257.4 (MANE Select); coding-DNA position 5455, G replaced by C.
Protein change: p.Val1819Leu; replaces valine 1819 with leucine.
Molecular consequence: missense variant.
Genome position (GRCh38, 1-based): chr14:23,415,099, C>G on the plus strand (G>C on the coding strand, the complement: MYH7 is on the minus strand). VCF-style: chr14-23415099-C-G. GRCh37 (hg19) VCF-style: chr14-23884308-C-G.
Other names: c.5455G>C, p.Val1819Leu (NM_001407004.1); short protein forms V1819L.
Identifiers: ClinVar variation 3387281 (VCV003387281.1).

ClinVar aggregate classification (germline): Uncertain significance (1 of 4 stars; one submission).

Conditions:
Cardiomyopathy (CMYO). Also called: Cardiomyopathies. Identifiers: Orphanet 167848, MedGen C0878544, MONDO:0004994, HP:0001638. Inheritance: Various modes of inheritance.

gnomAD v4.1: 7 of 1,614,086 alleles (0.00043%); highest among the groups gnomAD compares: Non-Finnish European, 0.00059%; no homozygotes.

Submission:

All of Us Research Program, National Institutes of Health
Classification: Uncertain significance for Cardiomyopathy. Last evaluated: 2024-04-16. Review status: criteria provided, single submitter. Criteria: ACMG Guidelines, 2015. Collection method: clinical testing. Allele origin: germline. Inheritance: Autosomal dominant inheritance. Observed: 1 variant allele, 1 heterozygote.
Comment: This missense variant replaces valine with leucine at codon 1819 of the MYH7 protein. Computational prediction is inconclusive regarding the impact of this variant on protein structure and function (internally defined REVEL score threshold 0.5 < inconclusive < 0.7, PMID: 27666373). To our knowledge, functional studies have not been reported for this variant. This variant has not been reported in individuals affected with MYH7-related disorders in the literature. This variant has not been identified in the general population by the Genome Aggregation Database (gnomAD). The available evidence is insufficient to determine the role of this variant in disease conclusively. Therefore, this variant is classified as a Variant of Uncertain Significance.

This study involves interpretation of variants in research participants for the purpose of population health screening. Participant phenotype was not available at the time of variant classification. Additional details can be found in publication PMID: 35346344, PMCID: PMC8962531